The following is an entry in ClinVar:

NM_000291.4(PGK1):c.487A>G (p.Asn163Asp)

Gene: PGK1 (phosphoglycerate kinase 1; plus strand). Cytogenetic location: Xq21.1.
Variant type: single nucleotide variant.
Coding change: c.487A>G on transcript NM_000291.4 (MANE Select); coding-DNA position 487, A replaced by G.
Protein change: p.Asn163Asp; replaces asparagine 163 with aspartic acid.
Molecular consequence: missense variant.
Genome position (GRCh38, 1-based): chrX:78,117,381, A>G. VCF-style: chrX-78117381-A-G. GRCh37 (hg19) VCF-style: chrX-77372878-A-G.
Other names: short protein forms N163D.
Identifiers: ClinVar variation 4832182 (VCV004832182.1).
Genomic context (GRCh38, chrX:78,117,381, plus strand): 5'-GAGCCAGCCAAAATAGAAGCTTTCCGAGCTTCACTTTCCAAGCTAGGGGATGTCTATGTC[A>G]ATGATGCTTTTGGCACTGCTCACAGAGCCCACAGGTACCAAGAACCTTGTAGACTACCAC-3'
Protein context (NP_000282.1, residues 153-173): SLSKLGDVYV[Asn163Asp]DAFGTAHRAH

ClinVar aggregate classification (germline): Uncertain significance (1 of 4 stars; one submission).

Conditions:
Inborn genetic diseases. Identifiers: MedGen C0950123, MeSH D030342.

gnomAD v4.1: 3 of 1,198,891 alleles (0.00025%); highest among the groups gnomAD compares: African/African-American, 0.0035%; no homozygotes.

Submission:

Ambry Genetics
Classification: Uncertain significance for Inborn genetic diseases. Last evaluated: 2026-01-05. Review status: criteria provided, single submitter. Criteria: Ambry Variant Classification Scheme 2023. Collection method: clinical testing. Allele origin: germline.
Comment: The c.487A>G (p.N163D) alteration is located in exon 5 (coding exon 5) of the PGK1 gene. This alteration results from a A to G substitution at nucleotide position 487, causing the asparagine (N) at amino acid position 163 to be replaced by an aspartic acid (D). Based on data from gnomAD, the G allele has an overall frequency of 0.005% (1/21946) total alleles studied. The highest observed frequency was 0.017% (1/5866) of African alleles. Based on insufficient or conflicting evidence, the clinical significance of this alteration remains unclear.